The following is an entry in ClinVar:

ClinVar aggregate classification (germline): Uncertain significance (1 of 4 stars; one submission).

Conditions:
Catecholaminergic polymorphic ventricular tachycardia 1. Also called: VENTRICULAR TACHYCARDIA, CATECHOLAMINERGIC POLYMORPHIC, 1, WITH OR WITHOUT ATRIAL DYSFUNCTION AND/OR DILATED CARDIOMYOPATHY; VENTRICULAR TACHYCARDIA, STRESS-INDUCED POLYMORPHIC 1; RYR2-Related Catecholaminergic Polymorphic Ventricular Tachycardia. Identifiers: Orphanet 3286, MedGen C1631597, MONDO:0011484, OMIM 604772.

Submission:

Labcorp Genetics (formerly Invitae), Labcorp
Classification: Uncertain significance for Catecholaminergic polymorphic ventricular tachycardia 1. Last evaluated: 2025-02-18. Review status: criteria provided, single submitter. Criteria: Invitae Variant Classification Sherloc (09022015). Collection method: clinical testing. Allele origin: germline.
Comment: This sequence change replaces lysine, which is basic and polar, with asparagine, which is neutral and polar, at codon 1980 of the RYR2 protein (p.Lys1980Asn). This variant is not present in population databases (gnomAD no frequency). This variant has not been reported in the literature in individuals affected with RYR2-related conditions. ClinVar contains an entry for this variant (Variation ID: 1717035). Invitae Evidence Modeling of protein sequence and biophysical properties (such as structural, functional, and spatial information, amino acid conservation, physicochemical variation, residue mobility, and thermodynamic stability) indicates that this missense variant is not expected to disrupt RYR2 protein function with a negative predictive value of 95%. In summary, the available evidence is currently insufficient to determine the role of this variant in disease. Therefore, it has been classified as a Variant of Uncertain Significance.

NM_001035.3(RYR2):c.5940G>C (p.Lys1980Asn)

Gene: RYR2 (ryanodine receptor 2; plus strand). Cytogenetic location: 1q43.
Variant type: single nucleotide variant.
Coding change: c.5940G>C on transcript NM_001035.3 (MANE Select); coding-DNA position 5940, G replaced by C.
Protein change: p.Lys1980Asn; replaces lysine 1980 with asparagine.
Molecular consequence: missense variant.
Genome position (GRCh38, 1-based): chr1:237,623,788, G>C. VCF-style: chr1-237623788-G-C. GRCh37 (hg19) VCF-style: chr1-237787088-G-C.
Other names: short protein forms K1980N.
Identifiers: ClinVar variation 1717035 (VCV001717035.6), dbSNP rs748839255, ClinGen allele CA345408128.